The following is an entry in ClinVar:

NM_003366.4(UQCRC2):c.333-7G>C

Genes: PDZD9 (PDZ domain containing 9), UQCRC2 (ubiquinol-cytochrome c reductase core protein 2). Cytogenetic location: 16p12.2.
Variant type: single nucleotide variant.
Coding change: c.333-7G>C on transcript NM_003366.4 (MANE Select); 7 bases into the intron before coding-DNA position 333, G replaced by C.
Molecular consequence: intron variant.
Genome position (GRCh38, 1-based): chr16:21,962,453, G>C. VCF-style: chr16-21962453-G-C. GRCh37 (hg19) VCF-style: chr16-21973774-G-C.
Identifiers: ClinVar variation 715678 (VCV000715678.5), dbSNP rs139040421, ClinGen allele CA7953714.
Genomic context (GRCh38, chr16:21,962,453, plus strand): 5'-GAAGATTATAAGGGAAAGCTTACTATCCTGATTCAGATGATTTACTCTAGTTTATTTTCC[G>C]ATTCAGTGTGACCGCAACAAGGGAAAACATGGCTTATACTGTGGAATGCCTGCGGGGTGA-3'

ClinVar aggregate classification (germline): Likely benign. Review status: criteria provided, single submitter (1 of 4 stars). 2 submissions from 2 submitters: Likely benign (1). 1 of the submissions does not count toward it. Last evaluated 2018-02-25.

Conditions:
UQCRC2-related disorder. Also called: UQCRC2-related condition.

Allele frequency attached by ClinVar (database versions not stated): gnomAD exomes 0.00011; ExAC 0.00012; TOPMed 0.00023; gnomAD 0.00027 and 0.00028; 1000 Genomes Project 30x 0.00031; ESP Exome Variant Server 0.00038; 1000 Genomes Project 0.00040.
gnomAD v4.1: 73 of 1,614,024 alleles (0.0045%); highest among the groups gnomAD compares: African/African-American, 0.093%; no homozygotes.

Submissions (2):

Labcorp Genetics (formerly Invitae), Labcorp
Classification: Likely benign. Last evaluated: 2018-02-25. Review status: criteria provided, single submitter. Criteria: Invitae Variant Classification Sherloc (09022015). Collection method: clinical testing. Allele origin: germline.

PreventionGenetics, part of Exact Sciences
Classification: Likely benign for UQCRC2-related condition. Last evaluated: 2020-02-14. Review status: no assertion criteria provided. Collection method: clinical testing. Allele origin: germline. Not counted in ClinVar's aggregate classification.
Comment: This variant is classified as likely benign based on ACMG/AMP sequence variant interpretation guidelines (Richards et al. 2015 PMID: 25741868, with internal and published modifications).